The following is an entry in ClinVar:

ClinVar aggregate classification (germline): Benign. Review status: criteria provided, multiple submitters, no conflicts (2 of 4 stars). 3 submissions from 3 submitters: Benign (2). 1 of the submissions does not count toward it. Last evaluated 2020-02-17.

Conditions:
Thalidomide response. Identifiers: MedGen CN297989.

Allele frequency attached by ClinVar (database versions not stated): 1000 Genomes Project 30x 0.02358; 1000 Genomes Project 0.02396; ESP Exome Variant Server 0.03869; gnomAD 0.04588 and 0.04672; gnomAD exomes 0.04853; ExAC 0.04879.
gnomAD v4.1: 77,128 of 1,610,192 alleles (4.8%); highest among the groups gnomAD compares: Middle Eastern, 8.1%; 2,331 homozygotes.

Submissions (27):

GeneDx
Classification: Benign. Last evaluated: 2020-02-17. Review status: criteria provided, single submitter. Criteria: GeneDx Variant Classification Process June 2021. Collection method: clinical testing. Allele origin: germline. Affected: yes.
Comment: This variant is associated with the following publications: (PMID: 28422189)

Breakthrough Genomics
Classification: Benign. Review status: criteria provided, single submitter. Criteria: ACMG Guidelines, 2015. Collection method: not provided. Allele origin: germline. Inheritance: Unknown mechanism. Affected: yes.

Dr. Peter K. Rogan Lab, Western University
No classification provided (evidence only). Condition: Acute myeloid leukemia. Review status: no classification provided. Collection method: in vitro. Allele origin: not applicable. Functional consequence: retained intron. Not counted in ClinVar's aggregate classification.

Dr. Peter K. Rogan Lab, Western University
No classification provided (evidence only). Condition: Acute myeloid leukemia. Review status: no classification provided. Collection method: in vitro. Allele origin: not applicable. Functional consequence: retained intron. Not counted in ClinVar's aggregate classification.

Dr. Peter K. Rogan Lab, Western University
No classification provided (evidence only). Condition: Acute myeloid leukemia. Review status: no classification provided. Collection method: in vitro. Allele origin: not applicable. Functional consequence: retained intron. Not counted in ClinVar's aggregate classification.

Dr. Peter K. Rogan Lab, Western University
No classification provided (evidence only). Condition: Acute myeloid leukemia. Review status: no classification provided. Collection method: in vitro. Allele origin: not applicable. Functional consequence: retained intron. Not counted in ClinVar's aggregate classification.

Dr. Peter K. Rogan Lab, Western University
No classification provided (evidence only). Condition: Acute myeloid leukemia. Review status: no classification provided. Collection method: in vitro. Allele origin: not applicable. Functional consequence: retained intron. Not counted in ClinVar's aggregate classification.

Dr. Peter K. Rogan Lab, Western University
No classification provided (evidence only). Condition: Acute myeloid leukemia. Review status: no classification provided. Collection method: in vitro. Allele origin: not applicable. Functional consequence: retained intron. Not counted in ClinVar's aggregate classification.

Dr. Peter K. Rogan Lab, Western University
No classification provided (evidence only). Condition: Cervical cancer. Review status: no classification provided. Collection method: in vitro. Allele origin: not applicable. Functional consequence: retained intron. Not counted in ClinVar's aggregate classification.

Dr. Peter K. Rogan Lab, Western University
No classification provided (evidence only). Condition: Malignant lymphoma, large B-cell, diffuse. Review status: no classification provided. Collection method: in vitro. Allele origin: not applicable. Functional consequence: retained intron. Not counted in ClinVar's aggregate classification.

Dr. Peter K. Rogan Lab, Western University
No classification provided (evidence only). Condition: Hepatocellular carcinoma. Review status: no classification provided. Collection method: in vitro. Allele origin: not applicable. Functional consequence: retained intron. Not counted in ClinVar's aggregate classification.

Dr. Peter K. Rogan Lab, Western University
No classification provided (evidence only). Condition: Hepatocellular carcinoma. Review status: no classification provided. Collection method: in vitro. Allele origin: not applicable. Functional consequence: retained intron. Not counted in ClinVar's aggregate classification.

Dr. Peter K. Rogan Lab, Western University
No classification provided (evidence only). Condition: Hepatocellular carcinoma. Review status: no classification provided. Collection method: in vitro. Allele origin: not applicable. Functional consequence: retained intron. Not counted in ClinVar's aggregate classification.

Dr. Peter K. Rogan Lab, Western University
No classification provided (evidence only). Condition: Hepatocellular carcinoma. Review status: no classification provided. Collection method: in vitro. Allele origin: not applicable. Functional consequence: retained intron. Not counted in ClinVar's aggregate classification.

Dr. Peter K. Rogan Lab, Western University
No classification provided (evidence only). Condition: Hepatocellular carcinoma. Review status: no classification provided. Collection method: in vitro. Allele origin: not applicable. Functional consequence: retained intron. Not counted in ClinVar's aggregate classification.

Dr. Peter K. Rogan Lab, Western University
No classification provided (evidence only). Condition: Hepatocellular carcinoma. Review status: no classification provided. Collection method: in vitro. Allele origin: not applicable. Functional consequence: retained intron. Not counted in ClinVar's aggregate classification.

Dr. Peter K. Rogan Lab, Western University
No classification provided (evidence only). Condition: Nonpapillary renal cell carcinoma. Review status: no classification provided. Collection method: in vitro. Allele origin: not applicable. Functional consequence: retained intron. Not counted in ClinVar's aggregate classification.

Dr. Peter K. Rogan Lab, Western University
No classification provided (evidence only). Condition: Nonpapillary renal cell carcinoma. Review status: no classification provided. Collection method: in vitro. Allele origin: not applicable. Functional consequence: retained intron. Not counted in ClinVar's aggregate classification.

Dr. Peter K. Rogan Lab, Western University
No classification provided (evidence only). Condition: Thymoma. Review status: no classification provided. Collection method: in vitro. Allele origin: not applicable. Functional consequence: retained intron. Not counted in ClinVar's aggregate classification.

Dr. Peter K. Rogan Lab, Western University
No classification provided (evidence only). Condition: Adrenocortical carcinoma, hereditary. Review status: no classification provided. Collection method: in vitro. Allele origin: not applicable. Functional consequence: retained intron. Not counted in ClinVar's aggregate classification.

Dr. Peter K. Rogan Lab, Western University
No classification provided (evidence only). Condition: Uterine carcinosarcoma. Review status: no classification provided. Collection method: in vitro. Allele origin: not applicable. Functional consequence: retained intron. Not counted in ClinVar's aggregate classification.

Dr. Peter K. Rogan Lab, Western University
No classification provided (evidence only). Condition: Uterine carcinosarcoma. Review status: no classification provided. Collection method: in vitro. Allele origin: not applicable. Functional consequence: retained intron. Not counted in ClinVar's aggregate classification.

Dr. Peter K. Rogan Lab, Western University
No classification provided (evidence only). Condition: Uterine carcinosarcoma. Review status: no classification provided. Collection method: in vitro. Allele origin: not applicable. Functional consequence: retained intron. Not counted in ClinVar's aggregate classification.

Dr. Peter K. Rogan Lab, Western University
No classification provided (evidence only). Condition: Uterine carcinosarcoma. Review status: no classification provided. Collection method: in vitro. Allele origin: not applicable. Functional consequence: retained intron. Not counted in ClinVar's aggregate classification.

Dr. Peter K. Rogan Lab, Western University
No classification provided (evidence only). Condition: Malignant tumor of esophagus. Review status: no classification provided. Collection method: in vitro. Allele origin: not applicable. Functional consequence: retained intron. Not counted in ClinVar's aggregate classification.

Dr. Peter K. Rogan Lab, Western University
No classification provided (evidence only). Condition: Malignant tumor of esophagus. Review status: no classification provided. Collection method: in vitro. Allele origin: not applicable. Functional consequence: retained intron. Not counted in ClinVar's aggregate classification.

Rare Diseases Genetics and Genomics, Islamia College Peshawar
Classification: drug response for Thalidomide response. Review status: no assertion criteria provided. Collection method: research. Allele origin: germline. Affected: yes. Not counted in ClinVar's aggregate classification.
Comment: this variant was associated with non-response to thalidomide (not achieving transfusion independence)

NM_001166.5(BIRC2):c.1517C>T (p.Ala506Val)

Gene: BIRC2 (baculoviral IAP repeat containing 2; plus strand). Cytogenetic location: 11q22.2.
Variant type: single nucleotide variant.
Coding change: c.1517C>T on transcript NM_001166.5 (MANE Select); coding-DNA position 1517, C replaced by T.
Protein change: p.Ala506Val; replaces alanine 506 with valine.
Molecular consequence: missense variant.
Genome position (GRCh38, 1-based): chr11:102,377,646, C>T. VCF-style: chr11-102377646-C-T. GRCh37 (hg19) VCF-style: chr11-102248377-C-T.
Other names: c.1517C>T, p.Ala506Val (NM_001256163.1); c.1370C>T, p.Ala457Val (NM_001256166.2); short protein forms A457V, A506V.
Identifiers: ClinVar variation 1261128 (VCV001261128.5), dbSNP rs34510872, ClinGen allele CA6247332.